The following is an entry in ClinVar:

ClinVar aggregate classification (germline): Uncertain significance. Review status: criteria provided, multiple submitters, no conflicts (2 of 4 stars). 3 submissions from 3 submitters: Uncertain significance (3). Last evaluated 2026-04-08.

Conditions:
Ehlers-Danlos syndrome, classic type, 1 (EDSCL1). Also called: Ehlers-Danlos Syndrome, Classic Type, COL5A1-Related; EHLERS-DANLOS SYNDROME, GRAVIS TYPE; EHLERS-DANLOS SYNDROME, SEVERE CLASSIC TYPE; Ehlers-Danlos syndrome, type 1; EDS I. Identifiers: MedGen C0268335, MONDO:0019567, OMIM 130000.
Osteogenesis imperfecta type I (OI1). Also called: OI, TYPE I; OSTEOGENESIS IMPERFECTA TARDA; OSTEOGENESIS IMPERFECTA WITH BLUE SCLERAE; Osteogenesis imperfecta type 1; Classic Non-deforming Osteogenesis Imperfecta with Blue Sclerae; Lobstein's Disease. Identifiers: Orphanet 216796, Orphanet 666, MedGen C0023931, MONDO:0008146, OMIM 166200. Disease mechanism: loss of function.

Allele frequency attached by ClinVar (database versions not stated): gnomAD exomes 0.00001; ExAC 0.00001; gnomAD 0.00001; TOPMed 0.00001.
gnomAD v4.1: 8 of 1,613,368 alleles (0.0005%); highest among the groups gnomAD compares: Admixed American, 0.0067%; no homozygotes.

Submissions (3):

Women's Health and Genetics/Laboratory Corporation of America, LabCorp
Classification: Uncertain significance. Last evaluated: 2026-04-08. Review status: criteria provided, single submitter. Criteria: LabCorp Variant Classification Summary - May 2015. Collection method: clinical testing. Allele origin: germline.
Comment: Variant summary: COL1A2 c.145C>A (p.Pro49Thr) results in a non-conservative amino acid change in the encoded protein sequence. Algorithms developed to predict the effect of missense changes on protein structure and function all suggest that this variant is likely to be disruptive. The variant allele was found at a frequency of 1.6e-05 in 251398 control chromosomes. The available data on variant occurrences in the general population are insufficient to allow any conclusion about variant significance. To our knowledge, no occurrence of c.145C>A in individuals affected with COL1A2-related conditions and no experimental evidence demonstrating its impact on protein function have been reported. ClinVar contains an entry for this variant (Variation ID: 2136110). Based on the evidence outlined above, the variant was classified as uncertain significance.

GeneDx
Classification: Uncertain significance. Last evaluated: 2023-01-11. Review status: criteria provided, single submitter. Criteria: GeneDx Variant Classification Process June 2021. Collection method: clinical testing. Allele origin: germline. Affected: yes.
Comment: Has not been previously published as pathogenic or benign to our knowledge; Not observed at significant frequency in large population cohorts (gnomAD); Not located in the triple helical region, where the majority of pathogenic missense variants occur (HGMD); In silico analysis supports that this missense variant has a deleterious effect on protein structure/function

Labcorp Genetics (formerly Invitae), Labcorp
Classification: Uncertain significance for Osteogenesis imperfecta type I; Ehlers-Danlos syndrome, classic type, 1. Last evaluated: 2022-08-28. Review status: criteria provided, single submitter. Criteria: Invitae Variant Classification Sherloc (09022015). Collection method: clinical testing. Allele origin: germline.
Comment: In summary, the available evidence is currently insufficient to determine the role of this variant in disease. Therefore, it has been classified as a Variant of Uncertain Significance. Advanced modeling of protein sequence and biophysical properties (such as structural, functional, and spatial information, amino acid conservation, physicochemical variation, residue mobility, and thermodynamic stability) performed at Invitae indicates that this missense variant is not expected to disrupt COL1A2 protein function. This variant has not been reported in the literature in individuals affected with COL1A2-related conditions. This variant is present in population databases (rs760571966, gnomAD 0.006%). This sequence change replaces proline, which is neutral and non-polar, with threonine, which is neutral and polar, at codon 49 of the COL1A2 protein (p.Pro49Thr).

NM_000089.4(COL1A2):c.145C>A (p.Pro49Thr)

Gene: COL1A2 (collagen type I alpha 2 chain; plus strand). Cytogenetic location: 7q21.3.
Variant type: single nucleotide variant.
Coding change: c.145C>A on transcript NM_000089.4 (MANE Select); coding-DNA position 145, C replaced by A.
Protein change: p.Pro49Thr; replaces proline 49 with threonine.
Molecular consequence: missense variant.
Genome position (GRCh38, 1-based): chr7:94,400,208, C>A. VCF-style: chr7-94400208-C-A. GRCh37 (hg19) VCF-style: chr7-94029520-C-A.
Other names: short protein forms P49T.
Identifiers: ClinVar variation 2136110 (VCV002136110.5), dbSNP rs760571966, ClinGen allele CA4346534.
Genomic context (GRCh38, chr7:94,400,208, plus strand): 5'-TTCTACAGGGCCTGTCTAACCTGACCTTACTCACTTTTTACATAACAGGGTCCACCAGGC[C>A]CCCCAGGCAGAGATGGTGAAGATGGTCCCACAGGCCCTCCTGGTCCACCTGGTCCTCCTG-3'
Protein context (NP_000080.2, residues 39-59): GPRGERGPPG[Pro49Thr]PGRDGEDGPT